The following is an entry in ClinVar:

NM_000091.5(COL4A3):c.423G>A (p.Leu141=)

Genes: COL4A3 (collagen type IV alpha 3 chain; plus strand), MFF-DT (MFF divergent transcript; minus strand). Cytogenetic location: 2q36.3.
Variant type: single nucleotide variant.
Coding change: c.423G>A on transcript NM_000091.5 (MANE Select); coding-DNA position 423, G replaced by A.
Protein change: p.Leu141=; no amino-acid change (leucine 141 retained).
Molecular consequence: synonymous variant.
Genome position (GRCh38, 1-based): chr2:227,246,720, G>A. VCF-style: chr2-227246720-G-A. GRCh37 (hg19) VCF-style: chr2-228111436-G-A.
Identifiers: ClinVar variation 4992131 (VCV004992131.1).

ClinVar aggregate classification (germline): Likely benign (1 of 4 stars; one submission).

Conditions:
COL4A3-related disorder. Also called: COL4A3-related condition; COL4A3-Related Disorders.

gnomAD v4.1: 235 of 1,612,190 alleles (0.015%); highest among the groups gnomAD compares: South Asian, 0.23%; 3 homozygotes.

Submission:

PreventionGenetics, part of Exact Sciences
Classification: Likely benign for COL4A3-related condition. Last evaluated: 2025-10-06. Review status: criteria provided, single submitter. Criteria: ACMG Guidelines, 2015. Collection method: clinical testing. Allele origin: germline.
Comment: This variant is classified as likely benign based on ACMG/AMP sequence variant interpretation guidelines (Richards et al. 2015 PMID: 25741868, with internal and published modifications).